The following is an entry in ClinVar:

ClinVar aggregate classification (germline): Uncertain significance (1 of 4 stars; one submission).

gnomAD v4.1: 2 of 1,613,994 alleles (0.00012%); highest among the groups gnomAD compares: Non-Finnish European, 0.00017%; no homozygotes.

Submission:

GeneDx
Classification: Uncertain significance. Last evaluated: 2026-04-10. Review status: criteria provided, single submitter. Criteria: GeneDx Variant Classification Process June 2021. Collection method: clinical testing. Allele origin: germline.
Comment: Not observed at significant frequency in large population cohorts (gnomAD); In silico analysis supports that this missense variant has a deleterious effect on protein structure/function; Has not been previously published as pathogenic or benign to our knowledge

NM_000168.6(GLI3):c.1447C>T (p.His483Tyr)

Gene: GLI3 (GLI family zinc finger 3; minus strand). Cytogenetic location: 7p14.1.
Variant type: single nucleotide variant.
Coding change: c.1447C>T on transcript NM_000168.6 (MANE Select); coding-DNA position 1447, C replaced by T.
Protein change: p.His483Tyr; replaces histidine 483 with tyrosine.
Molecular consequence: missense variant.
Genome position (GRCh38, 1-based): chr7:42,023,518, G>A on the plus strand (C>T on the coding strand, the complement: GLI3 is on the minus strand). VCF-style: chr7-42023518-G-A. GRCh37 (hg19) VCF-style: chr7-42063117-G-A.
Other names: short protein forms H483Y.
Identifiers: ClinVar variation 5036973 (VCV005036973.1).